The following is an entry in ClinVar:

NM_144670.6(A2ML1):c.3617_3618insAAAGCCCAGCCTAC (p.Thr1211fs)

Gene: A2ML1 (alpha-2-macroglobulin like 1; plus strand). Cytogenetic location: 12p13.31.
Variant type: Insertion.
Coding change: c.3617_3618insAAAGCCCAGCCTAC on transcript NM_144670.6 (MANE Select); coding-DNA positions 3617 to 3618, AAAGCCCAGCCTAC inserted.
Protein change: p.Thr1211fs; shifts the reading frame from threonine 1211.
Molecular consequence: frameshift variant.
Genome position: GRCh38 VCF-style: chr12-8863905-T-TTACAAAGCCCAGCC. GRCh37 (hg19) VCF-style: chr12-9016501-T-TTACAAAGCCCAGCC.
Other names: c.2144_2145insAAAGCCCAGCCTAC, p.Thr720fs (NM_001282424.3); short protein forms T1211fs, T720fs.
Identifiers: ClinVar variation 1021561 (VCV001021561.6), dbSNP rs1944353833, ClinGen allele CA2015242086.

ClinVar aggregate classification (germline): Uncertain significance (1 of 4 stars; one submission).

Submission:

Labcorp Genetics (formerly Invitae), Labcorp
Classification: Uncertain significance. Last evaluated: 2022-07-26. Review status: criteria provided, single submitter. Criteria: Invitae Variant Classification Sherloc (09022015). Collection method: clinical testing. Allele origin: germline.
Comment: This variant is not present in population databases (gnomAD no frequency). In summary, the available evidence is currently insufficient to determine the role of this variant in disease. Therefore, it has been classified as a Variant of Uncertain Significance. ClinVar contains an entry for this variant (Variation ID: 1021561). This variant has not been reported in the literature in individuals affected with A2ML1-related conditions. This sequence change creates a premature translational stop signal (p.Thr1211Profs*5) in the A2ML1 gene. It is expected to result in an absent or disrupted protein product. However, the current clinical and genetic evidence is not sufficient to establish whether loss-of-function variants in A2ML1 cause disease.